The following is an entry in ClinVar:

NM_001042492.3(NF1):c.3643A>G (p.Met1215Val)

Gene: NF1 (neurofibromin 1; plus strand). Cytogenetic location: 17q11.2.
Variant type: single nucleotide variant.
Coding change: c.3643A>G on transcript NM_001042492.3 (MANE Select); coding-DNA position 3643, A replaced by G.
Protein change: p.Met1215Val; replaces methionine 1215 with valine.
Molecular consequence: missense variant.
Genome position (GRCh38, 1-based): chr17:31,233,148, A>G. VCF-style: chr17-31233148-A-G. GRCh37 (hg19) VCF-style: chr17-29560166-A-G.
Other names: c.3643A>G, p.Met1215Val (NM_000267.4); short protein forms M1215V.
Identifiers: ClinVar variation 1040466 (VCV001040466.3), dbSNP rs2067143915, ClinGen allele CA398990422.
Genomic context (GRCh38, chr17:31,233,148, plus strand): 5'-ACACTTGCAGAAACAGTATTGGCTGATCGGTTTGAGAGATTGGTGGAACTGGTCACAATG[A>G]TGGGTGATCAAGGAGAACTCCCTATAGCGATGGCTCTGGCCAATGTGGTTCCTTGTTCTC-3'
Protein context (NP_001035957.1, residues 1205-1225): FERLVELVTM[Met1215Val]GDQGELPIAM

ClinVar aggregate classification (germline): Uncertain significance. Review status: criteria provided, multiple submitters, no conflicts (2 of 4 stars). 2 submissions from 2 submitters: Uncertain significance (2). Last evaluated 2025-10-30.

Conditions:
Hereditary cancer-predisposing syndrome. Also called: Hereditary neoplastic syndrome; Neoplastic Syndromes, Hereditary; Tumor predisposition; Hereditary Cancer Syndrome. Identifiers: Orphanet 140162, MedGen C0027672, MeSH D009386, MONDO:0015356.
Cardiovascular phenotype. Identifiers: MedGen CN230736.
Neurofibromatosis, type 1 (NF1). Also called: VON RECKLINGHAUSEN DISEASE; NEUROFIBROMATOSIS, TYPE I, SOMATIC; Peripheral type neurofibromatosis; Neurofibromatosis, type I. Identifiers: Orphanet 636, MedGen C0027831, MONDO:0018975, OMIM 162200. Disease mechanism: loss of function.

Submissions (2):

Ambry Genetics
Classification: Uncertain significance for Cardiovascular phenotype; Hereditary cancer-predisposing syndrome. Last evaluated: 2025-10-30. Review status: criteria provided, single submitter. Criteria: Ambry Variant Classification Scheme 2023. Collection method: clinical testing. Allele origin: germline.
Comment: The p.M1215V variant (also known as c.3643A>G), located in coding exon 27 of the NF1 gene, results from an A to G substitution at nucleotide position 3643. The methionine at codon 1215 is replaced by valine, an amino acid with highly similar properties. This amino acid position is highly conserved in available vertebrate species. In addition, this alteration is predicted to be deleterious by in silico analysis. Based on the available evidence, the clinical significance of this variant remains unclear.

Labcorp Genetics (formerly Invitae), Labcorp
Classification: Uncertain significance for Neurofibromatosis, type 1. Last evaluated: 2021-09-01. Review status: criteria provided, single submitter. Criteria: Invitae Variant Classification Sherloc (09022015). Collection method: clinical testing. Allele origin: germline.
Comment: This sequence change replaces methionine with valine at codon 1215 of the NF1 protein (p.Met1215Val). The methionine residue is moderately conserved and there is a small physicochemical difference between methionine and valine. This variant is not present in population databases (ExAC no frequency). This variant has not been reported in the literature in individuals affected with NF1-related conditions. Algorithms developed to predict the effect of missense changes on protein structure and function are either unavailable or do not agree on the potential impact of this missense change (SIFT: "Deleterious"; PolyPhen-2: "Possibly Damaging"; Align-GVGD: "Class C0"). Algorithms developed to predict the effect of sequence changes on RNA splicing suggest that this variant may create or strengthen a splice site. This variant disrupts the p.Met1215 amino acid residue in NF1. Other variant(s) that disrupt this residue have been determined to be pathogenic (PMID: 21520333, 26740943). This suggests that this residue is clinically significant, and that variants that disrupt this residue are likely to be disease-causing. In summary, the available evidence is currently insufficient to determine the role of this variant in disease. Therefore, it has been classified as a Variant of Uncertain Significance.

Literature cited by the submitters: PubMed 21520333 (cited by Labcorp Genetics (formerly Invitae), Labcorp); PubMed 26740943 (cited by Labcorp Genetics (formerly Invitae), Labcorp).